The following is an entry in ClinVar:

ClinVar aggregate classification (germline): Likely benign (1 of 4 stars; one submission).

Conditions:
ATP8B1-related disorder. Also called: ATP8B1-related disorders; ATP8B1-related condition.

gnomAD v4.1: 5 of 1,613,886 alleles (0.00031%); highest among the groups gnomAD compares: Non-Finnish European, 0.00034%; no homozygotes.

Submission:

PreventionGenetics, part of Exact Sciences
Classification: Likely benign for ATP8B1-related condition. Last evaluated: 2025-09-09. Review status: criteria provided, single submitter. Criteria: ACMG Guidelines, 2015. Collection method: clinical testing. Allele origin: germline.
Comment: This variant is classified as likely benign based on ACMG/AMP sequence variant interpretation guidelines (Richards et al. 2015 PMID: 25741868, with internal and published modifications).

NM_001374385.1(ATP8B1):c.1428T>C (p.Tyr476=)

Gene: ATP8B1 (ATPase phospholipid transporting 8B1; minus strand). Cytogenetic location: 18q21.31.
Variant type: single nucleotide variant.
Coding change: c.1428T>C on transcript NM_001374385.1 (MANE Select); coding-DNA position 1428, T replaced by C.
Protein change: p.Tyr476=; no amino-acid change (tyrosine 476 retained).
Molecular consequence: synonymous variant.
Genome position (GRCh38, 1-based): chr18:57,688,300, A>G on the plus strand (T>C on the coding strand, the complement: ATP8B1 is on the minus strand). VCF-style: chr18-57688300-A-G. GRCh37 (hg19) VCF-style: chr18-55355532-A-G.
Other names: c.1278T>C, p.Tyr426= (NM_001374386.1); c.1428T>C, p.Tyr476= (NM_005603.6).
Identifiers: ClinVar variation 4986003 (VCV004986003.1).
Genomic context (GRCh38, chr18:57,688,300, plus strand): 5'-GACCTGCACACGGCAGGCAGCCCCACTCACCCAGAAAATGAGTGACGGCTTCCACTTACC[A>G]TATATCTGCCCGTTGATACAGCACTTTTTAAAGGTCATGATATTTTGTGTGAGTGTCCCC-3'
Protein context (NP_001361314.1, residues 466-486): FKKCCINGQI[Tyr476=]GDHRDASQHN